The following is an entry in ClinVar:

ClinVar aggregate classification (germline): Uncertain significance (1 of 4 stars; one submission).

Conditions:
Familial thoracic aortic aneurysm and aortic dissection (TAAD). Also called: Thoracic aortic aneurysms and dissections. Identifiers: Orphanet 91387, MedGen C4707243, MONDO:0019625.

Submission:

Ambry Genetics
Classification: Uncertain significance for Familial thoracic aortic aneurysm and aortic dissection. Last evaluated: 2023-03-12. Review status: criteria provided, single submitter. Criteria: Ambry Variant Classification Scheme 2023. Collection method: clinical testing. Allele origin: germline.
Comment: The p.A105S variant (also known as c.313G>T), located in coding exon 2 of the SMAD3 gene, results from a G to T substitution at nucleotide position 313. The alanine at codon 105 is replaced by serine, an amino acid with similar properties. This amino acid position is conserved. In addition, the in silico prediction for this alteration is inconclusive. Since supporting evidence is limited at this time, the clinical significance of this alteration remains unclear.

NM_005902.4(SMAD3):c.313G>T (p.Ala105Ser)

Gene: SMAD3 (SMAD family member 3; plus strand). Cytogenetic location: 15q22.33.
Variant type: single nucleotide variant.
Coding change: c.313G>T on transcript NM_005902.4 (MANE Select); coding-DNA position 313, G replaced by T.
Protein change: p.Ala105Ser; replaces alanine 105 with serine.
Molecular consequence: missense variant. On other transcripts: 5 prime UTR variant (3).
Genome position (GRCh38, 1-based): chr15:67,165,001, G>T. VCF-style: chr15-67165001-G-T. GRCh37 (hg19) VCF-style: chr15-67457339-G-T.
Other names: c.-3G>T (NM_001145102.2, NM_001407015.1, NM_001407016.1); c.181G>T, p.Ala61Ser (NM_001145103.2); c.313G>T, p.Ala105Ser (NM_001407011.1, NM_001407012.1, NM_001407013.1); c.166G>T, p.Ala56Ser (NM_001407014.1); short protein forms A61S, A105S, A56S.
Identifiers: ClinVar variation 2452421 (VCV002452421.2), dbSNP rs1180268708, ClinGen allele CA392954002.
Genomic context (GRCh38, chr15:67,165,001, plus strand): 5'-CATGTCATCTACTGCCGCCTGTGGCGATGGCCAGACCTGCACAGCCACCACGAGCTACGG[G>T]CCATGGAGCTGTGTGAGTTCGCCTTCAATATGAAGAAGGACGAGGTCTGCGTGAATCCCT-3'
Protein context (NP_005893.1, residues 95-115): PDLHSHHELR[Ala105Ser]MELCEFAFNM